The following is an entry in ClinVar:

NM_031889.3(ENAM):c.83T>C (p.Leu28Pro)

Gene: ENAM (enamelin; plus strand). Cytogenetic location: 4q13.3.
Variant type: single nucleotide variant.
Coding change: c.83T>C on transcript NM_031889.3 (MANE Select); coding-DNA position 83, T replaced by C.
Protein change: p.Leu28Pro; replaces leucine 28 with proline.
Molecular consequence: missense variant.
Genome position (GRCh38, 1-based): chr4:70,631,698, T>C. VCF-style: chr4-70631698-T-C. GRCh37 (hg19) VCF-style: chr4-71497415-T-C.
Other names: short protein forms L28P.
Identifiers: ClinVar variation 4017944 (VCV004017944.1).

ClinVar aggregate classification (germline): Uncertain significance (1 of 4 stars; one submission).

Conditions:
Inborn genetic diseases. Identifiers: MedGen C0950123, MeSH D030342.

Submission:

Ambry Genetics
Classification: Uncertain significance for Inborn genetic diseases. Last evaluated: 2025-06-10. Review status: criteria provided, single submitter. Criteria: Ambry Variant Classification Scheme 2023. Collection method: clinical testing. Allele origin: germline.
Comment: The c.83T>C (p.L28P) alteration is located in exon 3 (coding exon 2) of the ENAM gene. This alteration results from a T to C substitution at nucleotide position 83, causing the leucine (L) at amino acid position 28 to be replaced by a proline (P). This variant was not reported in population-based cohorts in the Genome Aggregation Database (gnomAD). This amino acid position is highly conserved in available vertebrate species. The in silico prediction for this alteration is inconclusive. Based on insufficient or conflicting evidence, the clinical significance of this alteration remains unclear.